The following is an entry in ClinVar:

NM_198578.4(LRRK2):c.3965T>A (p.Leu1322His)

Gene: LRRK2 (leucine rich repeat kinase 2; plus strand). Cytogenetic location: 12q12.
Variant type: single nucleotide variant.
Coding change: c.3965T>A on transcript NM_198578.4 (MANE Select); coding-DNA position 3965, T replaced by A.
Protein change: p.Leu1322His; replaces leucine 1322 with histidine.
Molecular consequence: missense variant.
Genome position (GRCh38, 1-based): chr12:40,308,472, T>A. VCF-style: chr12-40308472-T-A. GRCh37 (hg19) VCF-style: chr12-40702274-T-A.
Other names: short protein forms L1322H.
Identifiers: ClinVar variation 2447284 (VCV002447284.2), dbSNP rs1474238780, ClinGen allele CA384417457.

ClinVar aggregate classification (germline): Uncertain significance (1 of 4 stars; one submission).

Conditions:
Inborn genetic diseases. Identifiers: MedGen C0950123, MeSH D030342.

Allele frequency attached by ClinVar (database versions not stated): gnomAD exomes below 0.00001; TOPMed below 0.00001; gnomAD 0.00001.
gnomAD v4.1: 3 of 1,612,896 alleles (0.00019%); highest among the groups gnomAD compares: African/African-American, 0.004%; no homozygotes.

Submission:

Ambry Genetics
Classification: Uncertain significance for Inborn genetic diseases. Last evaluated: 2022-12-18. Review status: criteria provided, single submitter. Criteria: Ambry Variant Classification Scheme 2023. Collection method: clinical testing. Allele origin: germline.
Comment: The p.L1322H variant (also known as c.3965T>A), located in coding exon 29 of the LRRK2 gene, results from a T to A substitution at nucleotide position 3965. The leucine at codon 1322 is replaced by histidine, an amino acid with similar properties. This amino acid position is conserved. In addition, this alteration is predicted to be deleterious by in silico analysis. Since supporting evidence is limited at this time, the clinical significance of this alteration remains unclear.